The following is an entry in ClinVar:

NM_007294.4(BRCA1):c.1624A>G (p.Asn542Asp)

Gene: BRCA1 (BRCA1 DNA repair associated; minus strand). Cytogenetic location: 17q21.31.
Variant type: single nucleotide variant.
Coding change: c.1624A>G on transcript NM_007294.4 (MANE Select); coding-DNA position 1624, A replaced by G.
Protein change: p.Asn542Asp; replaces asparagine 542 with aspartic acid.
Molecular consequence: missense variant. On other transcripts: intron variant (137).
Genome position (GRCh38, 1-based): chr17:43,093,907, T>C on the plus strand (A>G on the coding strand, the complement: BRCA1 is on the minus strand). VCF-style: chr17-43093907-T-C. GRCh37 (hg19) VCF-style: chr17-41245924-T-C.
Other names: c.1420A>G, p.Asn474Asp (NM_001407875.1, NM_001407874.1); c.1480A>G, p.Asn494Asp (NM_001407743.1, NM_001407744.1, NM_001407745.1 and 20 more transcripts); c.1483A>G, p.Asn495Asp (NM_001407750.1, NM_001407751.1, NM_001407752.1 and 29 more transcripts); c.1411A>G, p.Asn471Asp (NM_001407571.1, NM_001407853.1, NM_001407894.1 and 9 more transcripts); c.1624A>G, p.Asn542Asp (NM_001407581.1, NM_001407582.1, NM_001407583.1 and 30 more transcripts); c.1621A>G, p.Asn541Asp (NM_001407587.1, NM_001407590.1, NM_001407591.1 and 22 more transcripts); c.1615A>G, p.Asn539Asp (NM_001407646.1, NM_001407647.1); c.1501A>G, p.Asn501Asp (NM_001407648.1, NM_001407664.1, NM_001407665.1 and 19 more transcripts); and 40 more; short protein forms N542D, N495D, N431D, N453D, N454D, N374D, N414D, N474D.
Identifiers: ClinVar variation 531325 (VCV000531325.16), dbSNP rs1555591461, ClinGen allele CA10598793.
Genomic context (GRCh38, chr17:43,093,907, plus strand): 5'-TAGAATCACCTTTTGTTTTATTCTCATGACCACTATTAGTAATATTCATCACTTGACCAT[T>C]CTGCTCCGTTTGGTTAGTTCCCTGATTTATCATTTCAGGAGTCTTTTGAACTGCCAAATC-3'
Protein context (NP_009225.1, residues 532-552): INQGTNQTEQ[Asn542Asp]GQVMNITNSG

ClinVar aggregate classification (germline): Conflicting classifications of pathogenicity. Review status: criteria provided, conflicting classifications (1 of 4 stars). 3 submissions from 3 submitters: Uncertain significance (2); Likely benign (1). Last evaluated 2023-03-23.

Conditions:
Hereditary breast ovarian cancer syndrome. Also called: Hereditary breast and ovarian cancer syndrome (HBOC); BRCA1- and BRCA2-Associated Hereditary Breast and Ovarian Cancer; Hereditary breast and ovarian cancer syndrome; Breast and ovarian cancer; Hereditary breast and ovarian cancer; Hereditary breast and/or ovarian cancer syndrome. Identifiers: Orphanet 145, MedGen C0677776, MeSH D061325, MONDO:0003582. Disease mechanism: loss of function.
Hereditary cancer-predisposing syndrome. Also called: Hereditary neoplastic syndrome; Neoplastic Syndromes, Hereditary; Tumor predisposition; Hereditary Cancer Syndrome. Identifiers: Orphanet 140162, MedGen C0027672, MeSH D009386, MONDO:0015356.

Submissions (3):

University of Washington Department of Laboratory Medicine, University of Washington
Classification: Likely benign for Hereditary cancer-predisposing syndrome. Last evaluated: 2023-03-23. Review status: criteria provided, single submitter. Criteria: Dines et al. (Genet Med. 2020). Collection method: curation. Allele origin: germline.
Comment: Missense variant in a coldspot region where missense variants are very unlikely to be pathogenic (PMID:31911673).

BRCA1 coldspot (exon 11 using historical exon numbering). Reclassification based on statistical prior probability

Ambry Genetics
Classification: Uncertain significance for Hereditary cancer-predisposing syndrome. Last evaluated: 2022-08-10. Review status: criteria provided, single submitter. Criteria: Ambry Variant Classification Scheme 2023. Collection method: clinical testing. Allele origin: germline.
Comment: The p.N542D variant (also known as c.1624A>G), located in coding exon 9 of the BRCA1 gene, results from an A to G substitution at nucleotide position 1624. The asparagine at codon 542 is replaced by aspartic acid, an amino acid with highly similar properties. This amino acid position is not well conserved in available vertebrate species. In addition, the in silico prediction for this alteration is inconclusive. Since supporting evidence is limited at this time, the clinical significance of this alteration remains unclear.

Labcorp Genetics (formerly Invitae), Labcorp
Classification: Uncertain significance for Hereditary breast ovarian cancer syndrome. Last evaluated: 2019-11-01. Review status: criteria provided, single submitter. Criteria: Invitae Variant Classification Sherloc (09022015). Collection method: clinical testing. Allele origin: germline.
Comment: In summary, the available evidence is currently insufficient to determine the role of this variant in disease. Therefore, it has been classified as a Variant of Uncertain Significance. Algorithms developed to predict the effect of missense changes on protein structure and function output the following: SIFT: "Tolerated"; PolyPhen-2: "Benign"; Align-GVGD: "Class C0". The aspartic acid amino acid residue is found in multiple mammalian species, suggesting that this missense change does not adversely affect protein function. These predictions have not been confirmed by published functional studies and their clinical significance is uncertain. This variant has not been reported in the literature in individuals with BRCA1-related disease. This variant is not present in population databases (ExAC no frequency). This sequence change replaces asparagine with aspartic acid at codon 542 of the BRCA1 protein (p.Asn542Asp). The asparagine residue is moderately conserved and there is a small physicochemical difference between asparagine and aspartic acid.